The following is an entry in ClinVar:

NM_024496.4(IRF2BPL):c.2306C>A (p.Ser769Ter)

Gene: IRF2BPL (interferon regulatory factor 2 binding protein like; minus strand). Cytogenetic location: 14q24.3.
Variant type: single nucleotide variant.
Coding change: c.2306C>A on transcript NM_024496.4 (MANE Select); coding-DNA position 2306, C replaced by A.
Protein change: p.Ser769Ter; replaces serine 769 with a stop codon.
Molecular consequence: nonsense.
Genome position (GRCh38, 1-based): chr14:77,025,487, G>T on the plus strand (C>A on the coding strand, the complement: IRF2BPL is on the minus strand). VCF-style: chr14-77025487-G-T. GRCh37 (hg19) VCF-style: chr14-77491830-G-T.
Other names: short protein forms S769*.
Identifiers: ClinVar variation 4292233 (VCV004292233.1).

ClinVar aggregate classification (germline): Uncertain significance (1 of 4 stars; one submission).

Conditions:
Neurodevelopmental disorder with regression, abnormal movements, loss of speech, and seizures. Identifiers: Orphanet 597623, MedGen C4748127, MONDO:0060759, OMIM 618088.

Submission:

3billion
Classification: Uncertain significance for Neurodevelopmental disorder with regression, abnormal movements, loss of speech, and seizures. Last evaluated: 2025-02-26. Review status: criteria provided, single submitter. Criteria: ACMG Guidelines, 2015. Collection method: clinical testing. Allele origin: germline. Affected: yes.
Comment: The variant is not observed in the gnomAD v4.1.0 dataset. Predicted Consequence/Location: Stop-gained (nonsense): predicted to result in a loss or disruption of normal protein function through protein truncation. The predicted truncated protein may be shortened by less than 10%. Therefore, this variant is classified as VUS according to the recommendation of ACMG/AMP guideline.